The following is an entry in ClinVar:

NM_000518.5(HBB):c.315+5G>C

Genes: HBB (hemoglobin subunit beta; minus strand), LOC106099062 (HBB recombination region; plus strand), LOC107133510 (origin of replication at HBB; plus strand), LOC110006319 (beta-globin gene 3' regulatory region; plus strand). Cytogenetic location: 11p15.4.
Variant type: single nucleotide variant.
Coding change: c.315+5G>C on transcript NM_000518.5 (MANE Select); 5 bases into the intron after coding-DNA position 315, G replaced by C.
Molecular consequence: intron variant.
Genome position (GRCh38, 1-based): chr11:5,226,572, C>G on the plus strand (G>C on the coding strand, the complement: HBB is on the minus strand). VCF-style: chr11-5226572-C-G. GRCh37 (hg19) VCF-style: chr11-5247802-C-G.
Other names: IVS II-5 (G>C).
Identifiers: ClinVar variation 869356 (VCV000869356.6), dbSNP rs35099082, ClinGen allele CA217113381.

ClinVar aggregate classification (germline): Pathogenic. Review status: criteria provided, multiple submitters, no conflicts (2 of 4 stars). 4 submissions from 4 submitters: Pathogenic (3). 1 of the submissions does not count toward it. Last evaluated 2025-09-12.

Conditions:
beta Thalassemia (BTHAL). Also called: Cooley's anemia; Erythroblastic anemia; Mediterranean anemia. Identifiers: Orphanet 848, MedGen C0005283, MONDO:0019402. Disease mechanism: loss of function.

Submissions (4):

Natera, Inc.
Classification: Pathogenic for Beta thalassemia. Last evaluated: 2025-09-12. Review status: criteria provided, single submitter. Criteria: Natera Variant Classification Schema (03/2026). Collection method: clinical testing. Allele origin: germline.
Comment: The c.315+5G>C variant in HBB is an intronic variant located outside the canonical splice sites. This variant is rare in the general population with a frequency below the threshold expected for the associated phenotype(s). This variant has been observed in one or more individuals affected with the associated recessive disease, as either homozygous or compound heterozygous with a second variant (PMID: 36226750, 35378860, 8144358). Computational prediction algorithms indicate this variant is likely to affect gene or protein function. Given the available evidence, this variant is classified as Pathogenic.

Labcorp Genetics (formerly Invitae), Labcorp
Classification: Pathogenic. Last evaluated: 2023-11-28. Review status: criteria provided, single submitter. Criteria: Invitae Variant Classification Sherloc (09022015). Collection method: clinical testing. Allele origin: germline.
Comment: This sequence change falls in intron 2 of the HBB gene. It does not directly change the encoded amino acid sequence of the HBB protein. It affects a nucleotide within the consensus splice site. This variant is not present in population databases (gnomAD no frequency). This variant has been observed in individual(s) with beta thalassemia (PMID: 8144358, 10335984). In at least one individual the data is consistent with being in trans (on the opposite chromosome) from a pathogenic variant. It has also been observed to segregate with disease in related individuals. This variant is also known as IVS-II-5 (G→C). ClinVar contains an entry for this variant (Variation ID: 869356). Variants that disrupt the consensus splice site are a relatively common cause of aberrant splicing (PMID: 17576681, 9536098). Studies have shown that this variant is associated with altered splicing resulting in multiple RNA products (PMID: 10335984). For these reasons, this variant has been classified as Pathogenic.

GeneDx
Classification: Pathogenic. Last evaluated: 2023-03-14. Review status: criteria provided, single submitter. Criteria: GeneDx Variant Classification Process June 2021. Collection method: clinical testing. Allele origin: germline. Affected: yes.
Comment: Published functional studies demonstrate partially abnormal spliced RNA which resulted in a frameshift variant, and multiple downstream variants have been reported as pathogenic (Liao et al., 2022, HGMD); Not observed at significant frequency in large population cohorts (gnomAD); This variant is associated with the following publications: (PMID: 25525159, 8144358, 36054783, 30275481, 28674233, 10335984, 35615327, 27829298)

The ITHANET community portal, The Cyprus Institute of Neurology and Genetics
Classification: Pathogenic for beta Thalassemia. Last evaluated: 2019-11-25. Review status: no assertion criteria provided. Collection method: curation. Allele origin: germline. Not counted in ClinVar's aggregate classification.

Literature cited by the submitters: PubMed 36226750 (cited by Natera, Inc.); PubMed 35378860 (cited by Natera, Inc.); PubMed 8144358 (cited by 3 submitters); PubMed 10335984 (cited by Labcorp Genetics (formerly Invitae), Labcorp); PubMed 17576681 (cited by Labcorp Genetics (formerly Invitae), Labcorp); PubMed 9536098 (cited by Labcorp Genetics (formerly Invitae), Labcorp).